The following is an entry in ClinVar:

NC_000013.11:g.(?_32394689)_(32398771_?)del

Gene: BRCA2 (BRCA2 DNA repair associated; plus strand).
Variant type: Deletion.
Identifiers: ClinVar variation 812550 (VCV000812550.2).

ClinVar aggregate classification (germline): Pathogenic (3 of 4 stars; one submission).

Conditions:
Breast-ovarian cancer, familial, susceptibility to, 2 (BROVCA2). Also called: BRCA2 Hereditary Breast and Ovarian Cancer. Identifiers: Orphanet 145, MedGen C2675520, MONDO:0012933, OMIM 612555. Disease mechanism: loss of function.

Submission:

Evidence-based Network for the Interpretation of Germline Mutant Alleles (ENIGMA)
Classification: Pathogenic for Breast-ovarian cancer, familial, susceptibility to, 2. Last evaluated: 2019-06-18. Review status: reviewed by expert panel. Criteria: ENIGMA BRCA1/2 Classification Criteria (2017-06-29). Collection method: curation. Allele origin: germline.
Comment: IARC class based on posterior probability from multifactorial likelihood analysis, thresholds for class as per Plon et al. 2008 (PMID: 18951446). Class 5 based on posterior probability = 0.997601. This variant was reported to us with undefined breakpoints, therefore the clinical data from different families used in this classification may actually have different variants. However, due to the expected functional consequence being the same we have grouped them for analysis, assuming that variants that delete only these exons may be considered pathogenic (regardless of the breakpoints).

Literature cited by the submitters: PubMed 31131967.